The following is an entry in ClinVar:

NM_014915.3(ANKRD26):c.3124T>C (p.Ser1042Pro)

Gene: ANKRD26 (ankyrin repeat domain 26; minus strand). Cytogenetic location: 10p12.1.
Variant type: single nucleotide variant.
Coding change: c.3124T>C on transcript NM_014915.3 (MANE Select); coding-DNA position 3124, T replaced by C.
Protein change: p.Ser1042Pro; replaces serine 1042 with proline.
Molecular consequence: missense variant.
Genome position (GRCh38, 1-based): chr10:27,035,326, A>G on the plus strand (T>C on the coding strand, the complement: ANKRD26 is on the minus strand). VCF-style: chr10-27035326-A-G. GRCh37 (hg19) VCF-style: chr10-27324255-A-G.
Other names: c.3121T>C, p.Ser1041Pro (NM_001256053.2); short protein forms S1041P, S1042P.
Identifiers: ClinVar variation 2136095 (VCV002136095.3), dbSNP rs2538763117, ClinGen allele CA376364089.

ClinVar aggregate classification (germline): Uncertain significance. Review status: criteria provided, multiple submitters, no conflicts (2 of 4 stars). 3 submissions from 3 submitters: Uncertain significance (3). Last evaluated 2025-03-07.

Conditions:
Inborn genetic diseases. Identifiers: MedGen C0950123, MeSH D030342.

Submissions (3):

Labcorp Genetics (formerly Invitae), Labcorp
Classification: Uncertain significance. Last evaluated: 2025-03-07. Review status: criteria provided, single submitter. Criteria: Invitae Variant Classification Sherloc (09022015). Collection method: clinical testing. Allele origin: germline.
Comment: This sequence change replaces serine, which is neutral and polar, with proline, which is neutral and non-polar, at codon 1042 of the ANKRD26 protein (p.Ser1042Pro). This variant is not present in population databases (gnomAD no frequency). This variant has not been reported in the literature in individuals affected with ANKRD26-related conditions. ClinVar contains an entry for this variant (Variation ID: 2136095). An algorithm developed to predict the effect of missense changes on protein structure and function (PolyPhen-2) suggests that this variant is likely to be tolerated. In summary, the available evidence is currently insufficient to determine the role of this variant in disease. Therefore, it has been classified as a Variant of Uncertain Significance.

Ambry Genetics
Classification: Uncertain significance for Inborn genetic diseases. Last evaluated: 2025-02-15. Review status: criteria provided, single submitter. Criteria: Ambry Variant Classification Scheme 2023. Collection method: clinical testing. Allele origin: germline.
Comment: The p.S1042P variant (also known as c.3124T>C), located in coding exon 24 of the ANKRD26 gene, results from a T to C substitution at nucleotide position 3124. The serine at codon 1042 is replaced by proline, an amino acid with similar properties. This amino acid position is conserved. In addition, this alteration is predicted to be tolerated by in silico analysis. Based on the available evidence, the clinical significance of this variant remains unclear.

GeneDx
Classification: Uncertain significance. Last evaluated: 2022-07-21. Review status: criteria provided, single submitter. Criteria: GeneDx Variant Classification Process June 2021. Collection method: clinical testing. Allele origin: germline. Affected: yes.
Comment: Not observed at significant frequency in large population cohorts (gnomAD); In silico analysis supports that this missense variant does not alter protein structure/function; Has not been previously published as pathogenic or benign to our knowledge